The following is an entry in ClinVar:

NM_001114753.3(ENG):c.974T>G (p.Leu325Arg)

Gene: ENG (endoglin; minus strand). Cytogenetic location: 9q34.11.
Variant type: single nucleotide variant.
Coding change: c.974T>G on transcript NM_001114753.3 (MANE Select); coding-DNA position 974, T replaced by G.
Protein change: p.Leu325Arg; replaces leucine 325 with arginine.
Molecular consequence: missense variant.
Genome position (GRCh38, 1-based): chr9:127,824,817, A>C on the plus strand (T>G on the coding strand, the complement: ENG is on the minus strand). VCF-style: chr9-127824817-A-C. GRCh37 (hg19) VCF-style: chr9-130587096-A-C.
Other names: c.974T>G, p.Leu325Arg (NM_000118.4, NM_001406715.1); c.428T>G, p.Leu143Arg (NM_001278138.2); short protein forms L143R, L325R.
Identifiers: ClinVar variation 1699196 (VCV001699196.3), dbSNP rs760001916, ClinGen allele CA374981980.

ClinVar aggregate classification (germline): Likely pathogenic (1 of 4 stars; one submission).

Conditions:
Telangiectasia, hereditary hemorrhagic, type 1 (HHT1). Also called: Osler Weber Rendu syndrome type 1; ENG-Related Hereditary Hemorrhagic Telangiectasia. Identifiers: Orphanet 774, MedGen C4551861, MONDO:0008535, OMIM 187300. Disease mechanism: loss of function.

Submission:

Victorian Clinical Genetics Services, Murdoch Childrens Research Institute
Classification: Likely pathogenic for Telangiectasia, hereditary hemorrhagic, type 1. Last evaluated: 2022-09-02. Review status: criteria provided, single submitter. Criteria: ACMG Guidelines, 2015. Collection method: clinical testing. Allele origin: germline. Inheritance: Autosomal dominant inheritance.
Comment: Based on the classification scheme VCGS_Germline_v1.3.4, this variant is classified as likely pathogenic. Following criteria are met: 0103 - Dominant negative and loss of function are known mechanisms of disease in this gene and are associated with telangiectasia, hereditary haemorrhagic, type 1 (MIM#187300; PMID: 25312062, 25080347). (I) 0107 - This gene is associated with autosomal dominant disease. (I) 0200 - Variant is predicted to result in a missense amino acid change from leucine to arginine. (I) 0251 - This variant is heterozygous. (I) 0301 - Variant is absent from gnomAD (both v2 and v3). (SP) 0309 - An alternative amino acid change at the same position has been observed in gnomAD (v2) (19 heterozygotes, 0 homozygotes). (I) 0501 - Missense variant consistently predicted to be damaging by multiple in silico tools or highly conserved with a major amino acid change. (SP) 0600 - Variant is located in the annotated OR1 domain (UniProt, PMID: 28564608). (I) 0705 - No comparable missense variants have previous evidence for pathogenicity. (I) 0807 - This variant has no previous evidence of pathogenicity. (I) 0903 - This variant has limited evidence for segregation with disease. This variant segregates in three affected members of the same family tested at VCGS. (SP) 1007 - No published functional evidence has been identified for this variant. (I) Legend: (SP) - Supporting pathogenic, (I) - Information, (SB) - Supporting benign

Literature cited by the submitters: PubMed 25080347; PubMed 25312062; PubMed 28564608.